The following is an entry in ClinVar:

ClinVar aggregate classification (germline): Uncertain significance (1 of 4 stars; one submission).

Submission:

Ambry Genetics
Classification: Uncertain significance. Last evaluated: 2023-09-19. Review status: criteria provided, single submitter. Criteria: Ambry Variant Classification Scheme 2023. Collection method: clinical testing. Allele origin: germline.
Comment: The p.P40R variant (also known as c.119C>G), located in coding exon 2 of the KIF1B gene, results from a C to G substitution at nucleotide position 119. The proline at codon 40 is replaced by arginine, an amino acid with dissimilar properties. This amino acid position is conserved. In addition, this alteration is predicted to be deleterious by in silico analysis. Since supporting evidence is limited at this time, the clinical significance of this alteration remains unclear.

NM_001365951.3(KIF1B):c.119C>G (p.Pro40Arg)

Gene: KIF1B (kinesin family member 1B; plus strand). Cytogenetic location: 1p36.22.
Variant type: single nucleotide variant.
Coding change: c.119C>G on transcript NM_001365951.3 (MANE Select); coding-DNA position 119, C replaced by G.
Protein change: p.Pro40Arg; replaces proline 40 with arginine.
Molecular consequence: missense variant.
Genome position (GRCh38, 1-based): chr1:10,256,259, C>G. VCF-style: chr1-10256259-C-G. GRCh37 (hg19) VCF-style: chr1-10316317-C-G.
Other names: c.119C>G, p.Pro40Arg (NM_001365952.1, NM_001365953.1, NM_015074.3 and 1 more transcripts); short protein forms P40R.
Identifiers: ClinVar variation 3226342 (VCV003226342.1), dbSNP rs2523454099, ClinGen allele CA338322872.